The following is an entry in ClinVar:

NM_005120.3(MED12):c.5312A>G (p.Lys1771Arg)

Gene: MED12 (mediator complex subunit 12; plus strand). Cytogenetic location: Xq13.1.
Variant type: single nucleotide variant.
Coding change: c.5312A>G on transcript NM_005120.3 (MANE Select); coding-DNA position 5312, A replaced by G.
Protein change: p.Lys1771Arg; replaces lysine 1771 with arginine.
Molecular consequence: missense variant.
Genome position (GRCh38, 1-based): chrX:71,136,567, A>G. VCF-style: chrX-71136567-A-G. GRCh37 (hg19) VCF-style: chrX-70356417-A-G.
Other names: short protein forms K1771R.
Identifiers: ClinVar variation 3364935 (VCV003364935.4).

ClinVar aggregate classification (germline): Conflicting classifications of pathogenicity. Review status: criteria provided, conflicting classifications (1 of 4 stars). 3 submissions from 3 submitters: Uncertain significance (1); Likely benign (2). Last evaluated 2025-08-13.

Conditions:
Familial thoracic aortic aneurysm and aortic dissection (TAAD). Also called: Thoracic aortic aneurysms and dissections. Identifiers: Orphanet 91387, MedGen C4707243, MONDO:0019625.
FG syndrome (FGS). Identifiers: MedGen C0220769, MONDO:0002010.

gnomAD v4.1: 5 of 1,199,322 alleles (0.00042%); highest among the groups gnomAD compares: Admixed American, 0.009%; no homozygotes.

Submissions (3):

Ambry Genetics
Classification: Likely benign for Familial thoracic aortic aneurysm and aortic dissection. Last evaluated: 2025-08-13. Review status: criteria provided, single submitter. Criteria: Ambry Variant Classification Scheme 2023. Collection method: clinical testing. Allele origin: germline.

Labcorp Genetics (formerly Invitae), Labcorp
Classification: Likely benign for FG syndrome. Last evaluated: 2024-06-22. Review status: criteria provided, single submitter. Criteria: Invitae Variant Classification Sherloc (09022015). Collection method: clinical testing. Allele origin: germline.

GeneDx
Classification: Uncertain significance. Last evaluated: 2024-04-15. Review status: criteria provided, single submitter. Criteria: GeneDx Variant Classification Process June 2021. Collection method: clinical testing. Allele origin: germline. Affected: yes.
Comment: Has not been previously published as pathogenic or benign to our knowledge; In silico analysis supports that this missense variant has a deleterious effect on protein structure/function